The following is an entry in ClinVar:

ClinVar aggregate classification (germline): Likely pathogenic (1 of 4 stars; one submission).

Submission:

GeneDx
Classification: Likely pathogenic. Last evaluated: 2019-04-19. Review status: criteria provided, single submitter. Criteria: GeneDx Variant Classification Process June 2021. Collection method: clinical testing. Allele origin: germline. Affected: yes.
Comment: Not observed in large population cohorts (Lek et al., 2016); In silico analysis, which includes protein predictors and evolutionary conservation, supports a deleterious effect; Has not been previously published as pathogenic or benign to our knowledge

NM_000329.3(RPE65):c.1306G>A (p.Gly436Arg)

Gene: RPE65 (retinoid isomerohydrolase RPE65; minus strand). Cytogenetic location: 1p31.3.
Variant type: single nucleotide variant.
Coding change: c.1306G>A on transcript NM_000329.3 (MANE Select); coding-DNA position 1306, G replaced by A.
Protein change: p.Gly436Arg; replaces glycine 436 with arginine.
Molecular consequence: missense variant.
Genome position (GRCh38, 1-based): chr1:68,431,314, C>T on the plus strand (G>A on the coding strand, the complement: RPE65 is on the minus strand). VCF-style: chr1-68431314-C-T. GRCh37 (hg19) VCF-style: chr1-68896997-C-T.
Other names: short protein forms G436R.
Identifiers: ClinVar variation 1208476 (VCV001208476.3), dbSNP rs2100807345, ClinGen allele CA340742464.